The following is an entry in ClinVar:

ClinVar aggregate classification (germline): Benign/Likely benign. Review status: criteria provided, multiple submitters, no conflicts (2 of 4 stars). 4 submissions from 4 submitters: Benign (1); Likely benign (3). Last evaluated 2026-02-01.

Conditions:
Autoinflammatory syndrome. Identifiers: Orphanet 93665, MedGen C3890737, MONDO:0019751.
Regional enteritis. Also called: Enteritis, Granulomatous. Identifiers: MedGen C0678202, MeSH D003424.
Blau syndrome (BLAUS). Also called: ARTHROCUTANEOUVEAL GRANULOMATOSIS; GRANULOMATOSIS, FAMILIAL JUVENILE SYSTEMIC; GRANULOMATOSIS, FAMILIAL, BLAU TYPE; GRANULOMATOUS INFLAMMATORY ARTHRITIS, DERMATITIS, AND UVEITIS, FAMILIAL; JABS SYNDROME. Identifiers: Orphanet 90340, MedGen C5201146, MONDO:0008523, OMIM 186580.

Allele frequency attached by ClinVar (database versions not stated): gnomAD 0.00014 and 0.00018; ESP Exome Variant Server 0.00023; 1000 Genomes Project 30x 0.00031; 1000 Genomes Project 0.00040.
gnomAD v4.1: 381 of 1,613,916 alleles (0.024%); highest among the groups gnomAD compares: South Asian, 0.049%; no homozygotes.

Submissions (4):

Labcorp Genetics (formerly Invitae), Labcorp
Classification: Likely benign for Regional enteritis; Blau syndrome. Last evaluated: 2026-02-01. Review status: criteria provided, single submitter. Criteria: Invitae Variant Classification Sherloc (09022015). Collection method: clinical testing. Allele origin: germline.

CeGaT Center for Human Genetics Tuebingen
Classification: Benign. Last evaluated: 2025-09-01. Review status: criteria provided, single submitter. Criteria: CeGaT Center For Human Genetics Tuebingen Variant Classification Criteria Version 2. Collection method: clinical testing. Allele origin: germline. Affected: yes. Observed: 6 variant alleles.
Comment: NOD2: BS1, BS2

Genome Diagnostics Laboratory, The Hospital for Sick Children
Classification: Likely benign for Autoinflammatory syndrome. Last evaluated: 2022-03-17. Review status: criteria provided, single submitter. Criteria: ACMG Guidelines, 2015. Collection method: clinical testing. Allele origin: germline. Affected: yes.

Breakthrough Genomics
Classification: Likely benign. Review status: criteria provided, single submitter. Criteria: ACMG Guidelines, 2015. Collection method: not provided. Allele origin: germline. Inheritance: Autosomal dominant inheritance. Affected: yes.

NM_001370466.1(NOD2):c.2389G>A (p.Asp797Asn)

Gene: NOD2 (nucleotide binding oligomerization domain containing 2; plus strand). Cytogenetic location: 16q12.1.
Variant type: single nucleotide variant.
Coding change: c.2389G>A on transcript NM_001370466.1 (MANE Select); coding-DNA position 2389, G replaced by A.
Protein change: p.Asp797Asn; replaces aspartic acid 797 with asparagine.
Molecular consequence: missense variant. On other transcripts: non-coding transcript variant (1).
Genome position (GRCh38, 1-based): chr16:50,716,594, G>A. VCF-style: chr16-50716594-G-A. GRCh37 (hg19) VCF-style: chr16-50750505-G-A.
Other names: c.2389G>A, p.Asp797Asn (NM_001293557.2); c.2470G>A, p.Asp824Asn (NM_022162.3); short protein forms D824N, D797N.
Identifiers: ClinVar variation 734538 (VCV000734538.46), dbSNP rs61755272, ClinGen allele CA8051795.